The following is an entry in ClinVar:

NM_001018115.3(FANCD2):c.4281+65G>A

Genes: FANCD2 (FA complementation group D2; plus strand), FANCD2OS (FANCD2 opposite strand; minus strand). Cytogenetic location: 3p25.3.
Variant type: single nucleotide variant.
Coding change: c.4281+65G>A on transcript NM_001018115.3 (MANE Select); 65 bases into the intron after coding-DNA position 4281, G replaced by A.
Molecular consequence: intron variant. On other transcripts: nonsense (2).
Genome position (GRCh38, 1-based): chr3:10,098,880, G>A. VCF-style: chr3-10098880-G-A. GRCh37 (hg19) VCF-style: chr3-10140564-G-A.
Other names: c.4307G>A, p.Trp1436Ter (NM_001374254.1); c.4346G>A, p.Trp1449Ter (NM_033084.6); c.4281+65G>A (NM_001319984.2); c.4170+65G>A (NM_001374253.1); c.*43+5318C>T (NM_173472.2); short protein forms W1449*, W1436*.
Identifiers: ClinVar variation 2018708 (VCV002018708.4), dbSNP rs2470096437, ClinGen allele CA351759111.

ClinVar aggregate classification (germline): Uncertain significance (1 of 4 stars; one submission).

Conditions:
Fanconi anemia (FA). Also called: Fanconi's anemia. Identifiers: Orphanet 84, MedGen C0015625, MeSH D005199, MONDO:0019391.

Submission:

Labcorp Genetics (formerly Invitae), Labcorp
Classification: Uncertain significance for Fanconi anemia. Last evaluated: 2022-07-22. Review status: criteria provided, single submitter. Criteria: Invitae Variant Classification Sherloc (09022015). Collection method: clinical testing. Allele origin: germline.
Comment: In summary, the available evidence is currently insufficient to determine the role of this variant in disease. Therefore, it has been classified as a Variant of Uncertain Significance. Experimental studies and prediction algorithms are not available or were not evaluated, and the functional significance of this variant is currently unknown. This variant has not been reported in the literature in individuals affected with FANCD2-related conditions. This variant is not present in population databases (gnomAD no frequency). This sequence change creates a premature translational stop signal (p.Trp1449*) in the FANCD2 gene. While this is not anticipated to result in nonsense mediated decay, it is expected to disrupt the last 23 amino acid(s) of the FANCD2 protein.